The following is an entry in ClinVar:

ClinVar aggregate classification (germline): Uncertain significance. Review status: criteria provided, multiple submitters, no conflicts (2 of 4 stars). 2 submissions from 2 submitters: Uncertain significance (2). Last evaluated 2026-07-01.

Conditions:
Inborn genetic diseases. Identifiers: MedGen C0950123, MeSH D030342.

gnomAD v4.1: 1 of 1,211,845 alleles (0.000083%); highest among the groups gnomAD compares: Non-Finnish European, 0.00011%; no homozygotes.

Submissions (2):

CeGaT Center for Human Genetics Tuebingen
Classification: Uncertain significance. Last evaluated: 2026-07-01. Review status: criteria provided, single submitter. Criteria: CeGaT Center For Human Genetics Tuebingen Variant Classification Criteria Version 2. Collection method: clinical testing. Allele origin: germline. Affected: yes. Observed: 1 variant allele.
Comment: RBM10: PP2

Ambry Genetics
Classification: Uncertain significance for Inborn genetic diseases. Last evaluated: 2025-10-06. Review status: criteria provided, single submitter. Criteria: Ambry Variant Classification Scheme 2023. Collection method: clinical testing. Allele origin: germline.

NM_005676.5(RBM10):c.1867G>A (p.Ala623Thr)

Gene: RBM10 (RNA binding motif protein 10; plus strand). Cytogenetic location: Xp11.3.
Variant type: single nucleotide variant.
Coding change: c.1867G>A on transcript NM_005676.5 (MANE Select); coding-DNA position 1867, G replaced by A.
Protein change: p.Ala623Thr; replaces alanine 623 with threonine.
Molecular consequence: missense variant.
Genome position (GRCh38, 1-based): chrX:47,182,243, G>A. VCF-style: chrX-47182243-G-A. GRCh37 (hg19) VCF-style: chrX-47041642-G-A.
Other names: c.1636G>A, p.Ala546Thr (NM_001204466.2); c.1864G>A, p.Ala622Thr (NM_001204467.2); c.2062G>A, p.Ala688Thr (NM_001204468.2); c.2059G>A, p.Ala687Thr (NM_001440861.1); c.1831G>A, p.Ala611Thr (NM_001440862.1); c.1828G>A, p.Ala610Thr (NM_001440863.1); c.1633G>A, p.Ala545Thr (NM_152856.3); short protein forms A622T, A688T, A623T, A687T, A545T, A546T, A610T, A611T.
Identifiers: ClinVar variation 4628884 (VCV004628884.2).